The following is an entry in ClinVar:

NM_015512.5(DNAH1):c.9509C>T (p.Thr3170Met)

Gene: DNAH1 (dynein axonemal heavy chain 1; plus strand). Cytogenetic location: 3p21.1.
Variant type: single nucleotide variant.
Coding change: c.9509C>T on transcript NM_015512.5 (MANE Select); coding-DNA position 9509, C replaced by T.
Protein change: p.Thr3170Met; replaces threonine 3170 with methionine.
Molecular consequence: missense variant.
Genome position (GRCh38, 1-based): chr3:52,389,474, C>T. VCF-style: chr3-52389474-C-T. GRCh37 (hg19) VCF-style: chr3-52423490-C-T.
Other names: short protein forms T3170M.
Identifiers: ClinVar variation 2628810 (VCV002628810.2), dbSNP rs759881712, ClinGen allele CA2435558.

ClinVar aggregate classification (germline): Uncertain significance. Review status: criteria provided, multiple submitters, no conflicts (2 of 4 stars). 2 submissions from 2 submitters: Uncertain significance (2). Last evaluated 2023-10-13.

Conditions:
DNAH1-related disorder. Also called: DNAH1-related condition.

Allele frequency attached by ClinVar (database versions not stated): ExAC 0.00001; TOPMed 0.00001; gnomAD 0.00002.
gnomAD v4.1: 20 of 1,609,782 alleles (0.0012%); highest among the groups gnomAD compares: Middle Eastern, 0.017%; no homozygotes.

Submissions (2):

Ambry Genetics
Classification: Uncertain significance. Last evaluated: 2023-10-13. Review status: criteria provided, single submitter. Criteria: Ambry Variant Classification Scheme 2023. Collection method: clinical testing. Allele origin: germline.

PreventionGenetics, part of Exact Sciences
Classification: Uncertain significance for DNAH1-related condition. Last evaluated: 2023-06-30. Review status: criteria provided, single submitter. Criteria: ACMG Guidelines, 2015. Collection method: clinical testing. Allele origin: germline.
Comment: The DNAH1 c.9509C>T variant is predicted to result in the amino acid substitution p.Thr3170Met. To our knowledge, this variant has not been reported in the literature. This variant is reported in 0.0052% of alleles in individuals of East Asian descent in gnomAD. At this time, the clinical significance of this variant is uncertain due to the absence of conclusive functional and genetic evidence.